The following is an entry in ClinVar:

NM_000787.4(DBH):c.1204_1206inv (p.Ser402Gly)

Gene: DBH (dopamine beta-hydroxylase; plus strand). Cytogenetic location: 9q34.2.
Variant type: Inversion.
Coding change: c.1204_1206inv on transcript NM_000787.4 (MANE Select).
Protein change: p.Ser402Gly; replaces serine 402 with glycine.
Molecular consequence: missense variant.
Genome position: GRCh38 VCF-style: chr9-133651646-TCC-GGA. GRCh37 (hg19) VCF-style: chr9-136516768-TCC-GGA.
Other names: short protein forms S402G.
Identifiers: ClinVar variation 2143992 (VCV002143992.2), ClinGen allele CA2580079984.

ClinVar aggregate classification (germline): Uncertain significance (1 of 4 stars; one submission).

Conditions:
Orthostatic hypotension 1 (ORTHYP1). Also called: NORADRENALINE DEFICIENCY; NOREPINEPHRINE DEFICIENCY; Dopamine beta-hydroxylase deficiency; Orthostatic hypotension 1, due to DBH deficiency. Identifiers: Orphanet 230, MedGen C4746777, MONDO:0009123, OMIM 223360.

Submission:

Labcorp Genetics (formerly Invitae), Labcorp
Classification: Uncertain significance for Orthostatic hypotension 1. Last evaluated: 2024-11-05. Review status: criteria provided, single submitter. Criteria: Invitae Variant Classification Sherloc (09022015). Collection method: clinical testing. Allele origin: germline.
Comment: This sequence change replaces serine, which is neutral and polar, with glycine, which is neutral and non-polar, at codon 402 of the DBH protein (p.Ser402Gly). Information on the frequency of this variant in the gnomAD database is not available, as this variant may be reported differently in the database. This variant has not been reported in the literature in individuals affected with DBH-related conditions. ClinVar contains an entry for this variant (Variation ID: 2143992). An algorithm developed to predict the effect of missense changes on protein structure and function (PolyPhen-2) suggests that this variant¬†is likely to be tolerated. In summary, the available evidence is currently insufficient to determine the role of this variant in disease. Therefore, it has been classified as a Variant of Uncertain Significance.